The following is an entry in ClinVar:

NM_004082.5(DCTN1):c.2205T>G (p.Leu735=)

Gene: DCTN1 (dynactin subunit 1; minus strand). Cytogenetic location: 2p13.1.
Variant type: single nucleotide variant.
Coding change: c.2205T>G on transcript NM_004082.5 (MANE Select); coding-DNA position 2205, T replaced by G.
Protein change: p.Leu735=; no amino-acid change (leucine 735 retained).
Molecular consequence: synonymous variant. On other transcripts: non-coding transcript variant (1).
Genome position (GRCh38, 1-based): chr2:74,367,400, A>C on the plus strand (T>G on the coding strand, the complement: DCTN1 is on the minus strand). VCF-style: chr2-74367400-A-C. GRCh37 (hg19) VCF-style: chr2-74594527-A-C.
Other names: p.Leu735=; c.2145T>G, p.Leu715= (NM_001135040.3); c.1803T>G, p.Leu601= (NM_001135041.3, NM_023019.4); c.2094T>G, p.Leu698= (NM_001190836.2); c.2184T>G, p.Leu728= (NM_001190837.2); c.2154T>G, p.Leu718= (NM_001378991.1); c.2136T>G, p.Leu712= (NM_001378992.1).
Identifiers: ClinVar variation 536172 (VCV000536172.13), dbSNP rs773099597, ClinGen allele CA1721920.

ClinVar aggregate classification (germline): Likely benign. Review status: criteria provided, multiple submitters, no conflicts (2 of 4 stars). 4 submissions from 4 submitters: Likely benign (4). Last evaluated 2025-11-03.

Conditions:
Inborn genetic diseases. Identifiers: MedGen C0950123, MeSH D030342.
DCTN1-related disorder. Also called: DCTN1-related condition.
Neuronopathy, distal hereditary motor, type 7B. Also called: NEURONOPATHY, DISTAL HEREDITARY MOTOR, AUTOSOMAL DOMINANT 14; NEURONOPATHY, DISTAL HEREDITARY MOTOR, HARDING TYPE VIIB; NEUROPATHY, DISTAL HEREDITARY MOTOR, HARDING TYPE VIIB; NEUROPATHY, DISTAL HEREDITARY MOTOR, WITH VOCAL CORD PARALYSIS, HARDING TYPE VIIB; Distal Hereditary Motor Neuronopathy Type 7B (dHMN7B); HMN VIIB. Identifiers: Orphanet 139589, MedGen C1843315, MONDO:0011879, OMIM 607641.
Perry syndrome. Also called: PARKINSONISM WITH ALVEOLAR HYPOVENTILATION AND MENTAL DEPRESSION. Identifiers: Orphanet 178509, MedGen C1868594, MONDO:0008201, OMIM 168605.
Amyotrophic lateral sclerosis type 1 (ALS1). Also called: AMYOTROPHIC LATERAL SCLEROSIS 1, FAMILIAL. Identifiers: Orphanet 803, MedGen C1862939, MONDO:0007103, OMIM 105400.

Allele frequency attached by ClinVar (database versions not stated): ExAC 0.00001; gnomAD 0.00001; TOPMed 0.00001; gnomAD exomes 0.00002 and 0.00005.
gnomAD v4.1: 75 of 1,614,000 alleles (0.0046%); highest among the groups gnomAD compares: Non-Finnish European, 0.0063%; no homozygotes.

Submissions (4):

Labcorp Genetics (formerly Invitae), Labcorp
Classification: Likely benign for Amyotrophic lateral sclerosis type 1; Neuronopathy, distal hereditary motor, type 7B; Perry syndrome. Last evaluated: 2025-11-03. Review status: criteria provided, single submitter. Criteria: Invitae Variant Classification Sherloc (09022015). Collection method: clinical testing. Allele origin: germline.

Mayo Clinic Laboratories, Mayo Clinic
Classification: Likely benign. Last evaluated: 2025-05-07. Review status: criteria provided, single submitter. Criteria: ACMG Guidelines, 2015. Collection method: clinical testing. Allele origin: germline. Observed: 1 variant allele.
Comment: BP4, BP7

PreventionGenetics, part of Exact Sciences
Classification: Likely benign for DCTN1-related condition. Last evaluated: 2025-01-17. Review status: criteria provided, single submitter. Criteria: ACMG Guidelines, 2015. Collection method: clinical testing. Allele origin: germline.
Comment: This variant is classified as likely benign based on ACMG/AMP sequence variant interpretation guidelines (Richards et al. 2015 PMID: 25741868, with internal and published modifications).

Ambry Genetics
Classification: Likely benign for Inborn genetic diseases. Last evaluated: 2019-07-11. Review status: criteria provided, single submitter. Criteria: Ambry Variant Classification Scheme 2023. Collection method: clinical testing. Allele origin: germline.